The following is an entry in ClinVar:

ClinVar aggregate classification (germline): Conflicting classifications of pathogenicity. Review status: criteria provided, conflicting classifications (1 of 4 stars). 4 submissions from 4 submitters: Uncertain significance (3); Likely benign (1). Last evaluated 2025-11-21.

Conditions:
Hereditary cancer-predisposing syndrome. Also called: Hereditary neoplastic syndrome; Neoplastic Syndromes, Hereditary; Tumor predisposition; Hereditary Cancer Syndrome. Identifiers: Orphanet 140162, MedGen C0027672, MeSH D009386, MONDO:0015356.
Fanconi anemia complementation group J. Also called: BRIP1-Related Fanconi Anemia. Identifiers: Orphanet 84, MedGen C1836860, MONDO:0012187, OMIM 609054.
Familial cancer of breast. Also called: BREAST CANCER, FAMILIAL; hereditary breast carcinoma; Hereditary breast cancer. Identifiers: Orphanet 227535, MedGen C0346153, MONDO:0016419, OMIM 114480. Disease mechanism: loss of function.

Allele frequency attached by ClinVar (database versions not stated): TOPMed 0.00002.
gnomAD v4.1: 1 of 1,608,508 alleles (0.000062%); no homozygotes.

Submissions (4):

Labcorp Genetics (formerly Invitae), Labcorp
Classification: Likely benign for Familial cancer of breast; Fanconi anemia complementation group J. Last evaluated: 2025-11-21. Review status: criteria provided, single submitter. Criteria: Invitae Variant Classification Sherloc (09022015). Collection method: clinical testing. Allele origin: germline.

Ambry Genetics
Classification: Uncertain significance for Hereditary cancer-predisposing syndrome. Last evaluated: 2025-04-09. Review status: criteria provided, single submitter. Criteria: Ambry Variant Classification Scheme 2023. Collection method: clinical testing. Allele origin: germline.
Comment: The p.P812L variant (also known as c.2435C>T), located in coding exon 16 of the BRIP1 gene, results from a C to T substitution at nucleotide position 2435. The proline at codon 812 is replaced by leucine, an amino acid with similar properties. This amino acid position is well conserved in available vertebrate species. In addition, the in silico prediction for this alteration is inconclusive. Since supporting evidence is limited at this time, the clinical significance of this alteration remains unclear.

Color Diagnostics, LLC DBA Color Health
Classification: Uncertain significance for Hereditary cancer-predisposing syndrome. Last evaluated: 2018-12-23. Review status: criteria provided, single submitter. Criteria: ACMG Guidelines, 2015. Collection method: clinical testing. Allele origin: germline.

Women's Health and Genetics/Laboratory Corporation of America, LabCorp
Classification: Uncertain significance. Last evaluated: 2017-08-16. Review status: criteria provided, single submitter. Criteria: LabCorp Variant Classification Summary - May 2015. Collection method: clinical testing. Allele origin: germline.
Comment: Variant summary: The BRIP1 c.2435C>T (p.Pro812Leu) variant involves the alteration of a conserved nucleotide. 4/4 in silico tools predict a damaging outcome for this variant (SNPsandGO not captured due to low reliability index). This variant is absent in 245114 control chromosomes. The variant of interest has not, to our knowledge, been reported in affected individuals via publications and/or reputable databases/clinical diagnostic laboratories; nor evaluated for functional impact by in vivo/vitro studies. Because of the absence of clinical information and the lack of functional studies, the variant is classified as a variant of uncertain significance (VUS) until additional information becomes available.

NM_032043.3(BRIP1):c.2435C>T (p.Pro812Leu)

Gene: BRIP1 (BRCA1 interacting DNA helicase 1; minus strand). Cytogenetic location: 17q23.2.
Variant type: single nucleotide variant.
Coding change: c.2435C>T on transcript NM_032043.3 (MANE Select); coding-DNA position 2435, C replaced by T.
Protein change: p.Pro812Leu; replaces proline 812 with leucine.
Molecular consequence: missense variant.
Genome position (GRCh38, 1-based): chr17:61,716,008, G>A on the plus strand (C>T on the coding strand, the complement: BRIP1 is on the minus strand). VCF-style: chr17-61716008-G-A. GRCh37 (hg19) VCF-style: chr17-59793369-G-A.
Other names: short protein forms P812L.
Identifiers: ClinVar variation 461108 (VCV000461108.20), dbSNP rs876659410, ClinGen allele CA400479625.